The following is an entry in ClinVar:

NM_001374736.1(DST):c.2396T>G (p.Leu799Arg)

Gene: DST (dystonin; minus strand). Cytogenetic location: 6p12.1.
Variant type: single nucleotide variant.
Coding change: c.2396T>G on transcript NM_001374736.1 (MANE Select); coding-DNA position 2396, T replaced by G.
Protein change: p.Leu799Arg; replaces leucine 799 with arginine.
Molecular consequence: missense variant.
Genome position (GRCh38, 1-based): chr6:56,640,237, A>C on the plus strand (T>G on the coding strand, the complement: DST is on the minus strand). VCF-style: chr6-56640237-A-C. GRCh37 (hg19) VCF-style: chr6-56505035-A-C.
Other names: p.Leu262Arg; c.2297T>G, p.Leu766Arg (NM_001144769.5); c.1883T>G, p.Leu628Arg (NM_001144770.2); c.2396T>G, p.Leu799Arg (NM_001374722.1); c.1763T>G, p.Leu588Arg (NM_001374729.1, NM_001374730.1, NM_001386100.1 and 1 more transcripts); c.2423T>G, p.Leu808Arg (NM_001374734.1); c.785T>G, p.Leu262Arg (NM_001723.7, NM_015548.5); c.785T>G (NM_015548.4); and 1 more; short protein forms L766R, L262R, L628R, L588R, L799R, L808R.
Identifiers: ClinVar variation 657922 (VCV000657922.7), dbSNP rs372295184, ClinGen allele CA3871433.

ClinVar aggregate classification (germline): Uncertain significance. Review status: criteria provided, multiple submitters, no conflicts (2 of 4 stars). 4 submissions from 4 submitters: Uncertain significance (4). Last evaluated 2025-11-08.

Conditions:
Hereditary sensory and autonomic neuropathy type 6. Also called: Neuropathy, hereditary sensory and autonomic, type VI; HSAN VI. Identifiers: Orphanet 314381, MedGen C3539003, MONDO:0013839, OMIM 614653.
Epidermolysis bullosa simplex 3, localized or generalized intermediate, with BP230 deficiency (EBS3). Also called: Epidermolysis bullosa simplex, autosomal recessive 2; Epidermolysis bullosa simplex due to BP230 deficiency. Identifiers: Orphanet 412181, MedGen C3809470, MONDO:0014180, OMIM 615425.
DST-related disorder. Also called: DST-related disorders; DST-related condition.

Allele frequency attached by ClinVar (database versions not stated): ESP Exome Variant Server 0.00008; gnomAD exomes below 0.00001 and 0.00004; ExAC 0.00001; gnomAD 0.00004; TOPMed 0.00005.
gnomAD v4.1: 57 of 1,614,096 alleles (0.0035%); highest among the groups gnomAD compares: Non-Finnish European, 0.0045%; no homozygotes.

Submissions (4):

PreventionGenetics, part of Exact Sciences
Classification: Uncertain significance for DST-related condition. Last evaluated: 2025-11-08. Review status: criteria provided, single submitter. Criteria: ACMG Guidelines, 2015. Collection method: clinical testing. Allele origin: germline.
Comment: The DST c.2297T>G variant is predicted to result in the amino acid substitution p.Leu766Arg. To our knowledge, this variant has not been reported in the literature. This variant is reported in 0.0040% of alleles in individuals of African descent in gnomAD. At this time, the clinical significance of this variant is uncertain due to the absence of conclusive functional and genetic evidence.

Mayo Clinic Laboratories, Mayo Clinic
Classification: Uncertain significance. Last evaluated: 2022-04-22. Review status: criteria provided, single submitter. Criteria: ACMG Guidelines, 2015. Collection method: clinical testing. Allele origin: germline. Observed: 1 variant allele.
Comment: PM2

Labcorp Genetics (formerly Invitae), Labcorp
Classification: Uncertain significance for Epidermolysis bullosa simplex 3, localized or generalized intermediate, with BP230 deficiency; Hereditary sensory and autonomic neuropathy type 6. Last evaluated: 2021-11-17. Review status: criteria provided, single submitter. Criteria: Invitae Variant Classification Sherloc (09022015). Collection method: clinical testing. Allele origin: germline.
Comment: This sequence change replaces leucine, which is neutral and non-polar, with arginine, which is basic and polar, at codon 262 of the DST protein (p.Leu262Arg). This variant is present in population databases (rs372295184, gnomAD 0.004%). This variant has not been reported in the literature in individuals affected with DST-related conditions. ClinVar contains an entry for this variant (Variation ID: 657922). Algorithms developed to predict the effect of missense changes on protein structure and function (SIFT, PolyPhen-2, Align-GVGD) all suggest that this variant is likely to be disruptive. In summary, the available evidence is currently insufficient to determine the role of this variant in disease. Therefore, it has been classified as a Variant of Uncertain Significance.

GeneDx
Classification: Uncertain significance. Last evaluated: 2019-07-08. Review status: criteria provided, single submitter. Criteria: GeneDx Variant Classification Process June 2021. Collection method: clinical testing. Allele origin: germline. Affected: yes.
Comment: In silico analysis, which includes protein predictors and evolutionary conservation, supports a deleterious effect; Has not been previously published as pathogenic or benign to our knowledge